The following is an entry in ClinVar:

ClinVar aggregate classification (germline): Uncertain significance. Review status: criteria provided, multiple submitters, no conflicts (2 of 4 stars). 2 submissions from 2 submitters: Uncertain significance (2). Last evaluated 2023-03-30.

Conditions:
Hypertrophic cardiomyopathy 26. Also called: Cardiomyopathy, familial hypertrophic, 26. Identifiers: Orphanet 75249, MedGen C4310749, MONDO:0014883, OMIM 617047.
Myofibrillar myopathy 5. Also called: FILAMINOPATHY, AUTOSOMAL DOMINANT; Filaminopathy (type). Identifiers: Orphanet 171445, MedGen C1836050, MONDO:0012289, OMIM 609524.
Distal myopathy with posterior leg and anterior hand involvement. Also called: WILLIAMS DISTAL MYOPATHY. Identifiers: Orphanet 63273, MedGen C3279722, MONDO:0013550, OMIM 614065.

Submissions (2):

Molecular Genetics, Royal Melbourne Hospital
Classification: Uncertain significance for Myofibrillar myopathy 5. Last evaluated: 2023-03-30. Review status: criteria provided, single submitter. Criteria: ACMG Guidelines, 2015. Collection method: clinical testing. Allele origin: germline.
Comment: This sequence change in FLNC is predicted to replace lysine with asparagine at codon 377 (p.(Lys377Asn)). The lysine residue is highly conserved (100 vertebrates, UCSC), and is located in the ROD1 Ig-like 2 domain (PMID: 32112656). There is a moderate physicochemical difference between lysine and asparagine. This variant is absent from gnomAD v2.1 and v3.1. To our knowledge, this variant has not been reported in the literature in any individuals with myopathy and has been classified as a variant of uncertain significance (LOVD, ClinVar ID: 960797). Multiple lines of computational evidence predict a deleterious effect for the missense substitution (6/6 algorithms). Based on the classification scheme RMH Modified ACMG Guidelines v1.4.0, this variant is classified as a VARIANT OF UNCERTAIN SIGNIFICANCE. Following criteria are met: PM2_Supporting, PP3.

Labcorp Genetics (formerly Invitae), Labcorp
Classification: Uncertain significance for Distal myopathy with posterior leg and anterior hand involvement; Myofibrillar myopathy 5; Hypertrophic cardiomyopathy 26. Last evaluated: 2022-09-13. Review status: criteria provided, single submitter. Criteria: Invitae Variant Classification Sherloc (09022015). Collection method: clinical testing. Allele origin: germline.
Comment: This variant has not been reported in the literature in individuals affected with FLNC-related conditions. This sequence change replaces lysine, which is basic and polar, with asparagine, which is neutral and polar, at codon 377 of the FLNC protein (p.Lys377Asn). This variant is not present in population databases (gnomAD no frequency). ClinVar contains an entry for this variant (Variation ID: 960797). Advanced modeling of protein sequence and biophysical properties (such as structural, functional, and spatial information, amino acid conservation, physicochemical variation, residue mobility, and thermodynamic stability) has been performed at Invitae for this missense variant, however the output from this modeling did not meet the statistical confidence thresholds required to predict the impact of this variant on FLNC protein function. In summary, the available evidence is currently insufficient to determine the role of this variant in disease. Therefore, it has been classified as a Variant of Uncertain Significance.

Literature cited by the submitters: PubMed 32112656 (cited by Molecular Genetics, Royal Melbourne Hospital).

NM_001458.5(FLNC):c.1131G>C (p.Lys377Asn)

Gene: FLNC (filamin C; plus strand). Cytogenetic location: 7q32.1.
Variant type: single nucleotide variant.
Coding change: c.1131G>C on transcript NM_001458.5 (MANE Select); coding-DNA position 1131, G replaced by C.
Protein change: p.Lys377Asn; replaces lysine 377 with asparagine.
Molecular consequence: missense variant.
Genome position (GRCh38, 1-based): chr7:128,838,350, G>C. VCF-style: chr7-128838350-G-C. GRCh37 (hg19) VCF-style: chr7-128478404-G-C.
Other names: c.1131G>C, p.Lys377Asn (NM_001127487.2); short protein forms K377N.
Identifiers: ClinVar variation 960797 (VCV000960797.11), dbSNP rs1396483415, ClinGen allele CA369223767.
Genomic context (GRCh38, chr7:128,838,350, plus strand): 5'-GAACATTGAACGCAGTCCCTTTGAGGTGAACGTGGGCATGGCCCTGGGAGATGCCAACAA[G>C]GTGTCAGCCCGTGGCCCTGGCCTGGAACCTGTGGGCAATGTGGCCAACAAACCCACCTAC-3'
Protein context (NP_001449.3, residues 367-387): NVGMALGDAN[Lys377Asn]VSARGPGLEP